The following is an entry in ClinVar:

NM_153240.5(NPHP3):c.3500G>A (p.Arg1167His)

Genes: NPHP3 (nephrocystin 3; minus strand), NPHP3-ACAD11 (NPHP3-ACAD11 readthrough (NMD candidate); minus strand). Cytogenetic location: 3q22.1.
Variant type: single nucleotide variant.
Coding change: c.3500G>A on transcript NM_153240.5 (MANE Select); coding-DNA position 3500, G replaced by A.
Protein change: p.Arg1167His; replaces arginine 1167 with histidine.
Molecular consequence: missense variant. On other transcripts: non-coding transcript variant (1).
Genome position (GRCh38, 1-based): chr3:132,684,624, C>T on the plus strand (G>A on the coding strand, the complement: NPHP3 is on the minus strand). VCF-style: chr3-132684624-C-T. GRCh37 (hg19) VCF-style: chr3-132403468-C-T.
Other names: p.Arg1167His; short protein forms R1167H.
Identifiers: ClinVar variation 262705 (VCV000262705.23), dbSNP rs111727307, ClinGen allele CA2621738.

ClinVar aggregate classification (germline): Conflicting classifications of pathogenicity. Review status: criteria provided, conflicting classifications (1 of 4 stars). 7 submissions from 7 submitters: Uncertain significance (2); Benign (1); Likely benign (4). Last evaluated 2026-01-20.

Conditions:
Kidney disorder. Also called: Kidney disease; Kidney Diseases; renal disorder; Nephropathy; renal disease. Identifiers: MedGen C0022658, MONDO:0005240, HP:0000112.
Nephronophthisis. Also called: Juvenile Nephronophthisis. Identifiers: Orphanet 655, MedGen C0687120, MONDO:0019005, HP:0000090.

Allele frequency attached by ClinVar (database versions not stated): gnomAD exomes 0.00033; ExAC 0.00041; ESP Exome Variant Server 0.00123; TOPMed 0.00155; 1000 Genomes Project 30x 0.00250; 1000 Genomes Project 0.00300.
gnomAD v4.1: 510 of 1,613,974 alleles (0.032%); highest among the groups gnomAD compares: African/African-American, 0.48%; 4 homozygotes.

Submissions (7):

Labcorp Genetics (formerly Invitae), Labcorp
Classification: Likely benign for Nephronophthisis. Last evaluated: 2026-01-20. Review status: criteria provided, single submitter. Criteria: Invitae Variant Classification Sherloc (09022015). Collection method: clinical testing. Allele origin: germline.

Mayo Clinic Laboratories, Mayo Clinic
Classification: Uncertain significance. Last evaluated: 2025-10-06. Review status: criteria provided, single submitter. Criteria: ACMG Guidelines, 2015. Collection method: clinical testing. Allele origin: germline. Observed: 2 variant alleles.
Comment: BS1

Blueprint Genetics
Classification: Likely benign. Last evaluated: 2024-10-02. Review status: criteria provided, single submitter. Criteria: ACMG Guidelines, 2015. Collection method: clinical testing. Allele origin: germline.

GeneDx
Classification: Likely benign. Last evaluated: 2020-05-01. Review status: criteria provided, single submitter. Criteria: GeneDx Variant Classification Process June 2021. Collection method: clinical testing. Allele origin: germline. Affected: yes.

Eurofins Ntd Llc (ga)
Classification: Likely benign. Last evaluated: 2017-07-06. Review status: criteria provided, single submitter. Criteria: EGL Classification Definitions 2015. Collection method: clinical testing. Allele origin: germline. Observed: 7 variant alleles, 7 heterozygotes.

Genome Diagnostics Laboratory, The Hospital for Sick Children
Classification: Uncertain significance for Kidney disorder. Last evaluated: 2017-04-17. Review status: criteria provided, single submitter. Criteria: ACMG Guidelines, 2015. Collection method: clinical testing. Allele origin: germline.

PreventionGenetics, part of Exact Sciences
Classification: Benign. Review status: criteria provided, single submitter. Criteria: ACMG Guidelines, 2015. Collection method: clinical testing. Allele origin: germline.